The following is an entry in ClinVar:

NM_032217.5(ANKRD17):c.71C>T (p.Ala24Val)

Genes: ANKRD17 (ankyrin repeat domain 17; minus strand), LOC129992670 (ATAC-STARR-seq lymphoblastoid silent region 15476; plus strand). Cytogenetic location: 4q13.3.
Variant type: single nucleotide variant.
Coding change: c.71C>T on transcript NM_032217.5 (MANE Select); coding-DNA position 71, C replaced by T.
Protein change: p.Ala24Val; replaces alanine 24 with valine.
Molecular consequence: missense variant.
Genome position (GRCh38, 1-based): chr4:73,258,598, G>A on the plus strand (C>T on the coding strand, the complement: ANKRD17 is on the minus strand). VCF-style: chr4-73258598-G-A. GRCh37 (hg19) VCF-style: chr4-74124315-G-A.
Other names: c.71C>T, p.Ala24Val (NM_015574.2, NM_198889.3); short protein forms A24V.
Identifiers: ClinVar variation 3393574 (VCV003393574.1).

ClinVar aggregate classification (germline): Uncertain significance (1 of 4 stars; one submission).

Submission:

GeneDx
Classification: Uncertain significance. Last evaluated: 2024-07-01. Review status: criteria provided, single submitter. Criteria: GeneDx Variant Classification Process June 2021. Collection method: clinical testing. Allele origin: germline. Affected: yes.
Comment: Not observed at significant frequency in large population cohorts (gnomAD); In silico analysis indicates that this missense variant does not alter protein structure/function; Has not been previously published as pathogenic or benign to our knowledge